The following is an entry in ClinVar:

ClinVar aggregate classification (germline): Uncertain significance (1 of 4 stars; one submission).

gnomAD v4.1: 8 of 1,607,548 alleles (0.0005%); highest among the groups gnomAD compares: Admixed American, 0.005%; no homozygotes.

Submission:

Ambry Genetics
Classification: Uncertain significance. Last evaluated: 2026-08-05. Review status: criteria provided, single submitter. Criteria: Ambry Variant Classification Scheme 2023. Collection method: clinical testing. Allele origin: germline.
Comment: The c.1249G>T (p.A417S) alteration is located in exon 12 (coding exon 11) of the SPOCK2 gene. This alteration results from a G to T substitution at nucleotide position 1249, causing the alanine (A) at amino acid position 417 to be replaced by a serine (S). Based on data from gnomAD, the T allele has an overall frequency of 0.001% (2/247430) total alleles studied. The highest observed frequency was 0.006% (2/34200) of Latino alleles. Based on insufficient or conflicting evidence, the clinical significance of this alteration remains unclear.

NM_001244950.2(SPOCK2):c.1249G>T (p.Ala417Ser)

Gene: SPOCK2 (SPARC (osteonectin), cwcv and kazal like domains proteoglycan 2; minus strand). Cytogenetic location: 10q22.1.
Variant type: single nucleotide variant.
Coding change: c.1249G>T on transcript NM_001244950.2 (MANE Select); coding-DNA position 1249, G replaced by T.
Protein change: p.Ala417Ser; replaces alanine 417 with serine.
Molecular consequence: missense variant.
Genome position (GRCh38, 1-based): chr10:72,062,786, C>A on the plus strand (G>T on the coding strand, the complement: SPOCK2 is on the minus strand). VCF-style: chr10-72062786-C-A. GRCh37 (hg19) VCF-style: chr10-73822544-C-A.
Other names: c.1249G>T, p.Ala417Ser (NM_014767.2); short protein forms A417S.
Identifiers: ClinVar variation 5030098 (VCV005030098.1).